The following is an entry in ClinVar:

ClinVar aggregate classification (germline): Uncertain significance (1 of 4 stars; one submission).

Conditions:
Neurofibromatosis, type 1 (NF1). Also called: NEUROFIBROMATOSIS, TYPE I, SOMATIC; VON RECKLINGHAUSEN DISEASE; Neurofibromatosis, type I; Peripheral type neurofibromatosis. Identifiers: Orphanet 636, MedGen C0027831, MONDO:0018975, OMIM 162200. Disease mechanism: loss of function.

Submission:

Labcorp Genetics (formerly Invitae), Labcorp
Classification: Uncertain significance for Neurofibromatosis, type 1. Last evaluated: 2021-03-25. Review status: criteria provided, single submitter. Criteria: Invitae Variant Classification Sherloc (09022015). Collection method: clinical testing. Allele origin: germline.
Comment: In summary, the available evidence is currently insufficient to determine the role of this variant in disease. Therefore, it has been classified as a Variant of Uncertain Significance. Nucleotide substitutions within the consensus splice site are a relatively common cause of aberrant splicing (PMID: 17576681, 9536098). Algorithms developed to predict the effect of sequence changes on RNA splicing suggest that this variant may create or strengthen a splice site, but this prediction has not been confirmed by published transcriptional studies. This variant has not been reported in the literature in individuals with NF1-related conditions. This variant is not present in population databases (ExAC no frequency). This sequence change falls in intron 29 of the NF1 gene. It does not directly change the encoded amino acid sequence of the NF1 protein. It affects a nucleotide within the consensus splice site of the intron.

Literature cited by the submitters: PubMed 17576681; PubMed 9536098.

NM_001042492.3(NF1):c.3975-2_4018dup

Gene: NF1 (neurofibromin 1; plus strand). Cytogenetic location: 17q11.2.
Variant type: Duplication.
Coding change: c.3975-2_4018dup on transcript NM_001042492.3 (MANE Select); the canonical splice acceptor site of the intron before coding-DNA position 3975 through coding-DNA position 4018, 46 bases duplicated.
Molecular consequence: splice acceptor variant.
Genome position (GRCh38, 1-based): chr17:31,248,982-31,249,027, 46 bases duplicated. GRCh37 (hg19): chr17:29,576,000-29,576,045.
Other names: c.3975-2_4018dup (NM_000267.4).
Identifiers: ClinVar variation 1353712 (VCV001353712.6), dbSNP rs2151451269, ClinGen allele CA2573153304.